The following is an entry in ClinVar:

ClinVar aggregate classification (germline): Uncertain significance (1 of 4 stars; one submission).

Allele frequency attached by ClinVar (database versions not stated): gnomAD exomes below 0.00001.

Submission:

Labcorp Genetics (formerly Invitae), Labcorp
Classification: Uncertain significance. Last evaluated: 2022-07-25. Review status: criteria provided, single submitter. Criteria: Invitae Variant Classification Sherloc (09022015). Collection method: clinical testing. Allele origin: germline.
Comment: This sequence change replaces threonine, which is neutral and polar, with isoleucine, which is neutral and non-polar, at codon 299 of the COQ2 protein (p.Thr299Ile). This variant is present in population databases (no rsID available, gnomAD 0.0009%). This variant has not been reported in the literature in individuals affected with COQ2-related conditions. Algorithms developed to predict the effect of missense changes on protein structure and function (SIFT, PolyPhen-2, Align-GVGD) all suggest that this variant is likely to be disruptive. In summary, the available evidence is currently insufficient to determine the role of this variant in disease. Therefore, it has been classified as a Variant of Uncertain Significance.

NM_001358921.2(COQ2):c.746C>T (p.Thr249Ile)

Gene: COQ2 (coenzyme Q2, polyprenyltransferase; minus strand). Cytogenetic location: 4q21.23.
Variant type: single nucleotide variant.
Coding change: c.746C>T on transcript NM_001358921.2 (MANE Select); coding-DNA position 746, C replaced by T.
Protein change: p.Thr249Ile; replaces threonine 249 with isoleucine.
Molecular consequence: missense variant.
Genome position (GRCh38, 1-based): chr4:83,269,876, G>A on the plus strand (C>T on the coding strand, the complement: COQ2 is on the minus strand). VCF-style: chr4-83269876-G-A. GRCh37 (hg19) VCF-style: chr4-84191029-G-A.
Other names: c.896C>T, p.Thr299Ile (NM_015697.9); short protein forms T249I, T299I.
Identifiers: ClinVar variation 2416043 (VCV002416043.6), dbSNP rs1363385523, ClinGen allele CA357229508.